The following is an entry in ClinVar:

NM_001211.6(BUB1B):c.2618T>C (p.Leu873Pro)

Gene: BUB1B (BUB1 mitotic checkpoint serine/threonine kinase B; plus strand). Cytogenetic location: 15q15.1.
Variant type: single nucleotide variant.
Coding change: c.2618T>C on transcript NM_001211.6 (MANE Select); coding-DNA position 2618, T replaced by C.
Protein change: p.Leu873Pro; replaces leucine 873 with proline.
Molecular consequence: missense variant.
Genome position (GRCh38, 1-based): chr15:40,213,414, T>C. VCF-style: chr15-40213414-T-C. GRCh37 (hg19) VCF-style: chr15-40505615-T-C.
Other names: short protein forms L873P.
Identifiers: ClinVar variation 3221398 (VCV003221398.1), dbSNP rs2542577036, ClinGen allele CA391686318.

ClinVar aggregate classification (germline): Uncertain significance (1 of 4 stars; one submission).

Conditions:
Inborn genetic diseases. Identifiers: MedGen C0950123, MeSH D030342.

Allele frequency attached by ClinVar (database versions not stated): gnomAD exomes below 0.00001.
gnomAD v4.1: 1 of 1,614,182 alleles (0.000062%); highest among the groups gnomAD compares: Non-Finnish European, 0.000085%; no homozygotes.

Submission:

Ambry Genetics
Classification: Uncertain significance for Inborn genetic diseases. Last evaluated: 2023-09-27. Review status: criteria provided, single submitter. Criteria: Ambry Variant Classification Scheme 2023. Collection method: clinical testing. Allele origin: germline.
Comment: The p.L873P variant (also known as c.2618T>C), located in coding exon 20 of the BUB1B gene, results from a T to C substitution at nucleotide position 2618. The leucine at codon 873 is replaced by proline, an amino acid with similar properties. This amino acid position is conserved. In addition, this alteration is predicted to be deleterious by in silico analysis. Since supporting evidence is limited at this time, the clinical significance of this alteration remains unclear.